The following is an entry in ClinVar:

ClinVar aggregate classification (germline): Uncertain significance (1 of 4 stars; one submission).

gnomAD v4.1: 1 of 1,614,168 alleles (0.000062%); no homozygotes.

Submission:

Labcorp Genetics (formerly Invitae), Labcorp
Classification: Uncertain significance. Last evaluated: 2022-09-07. Review status: criteria provided, single submitter. Criteria: Invitae Variant Classification Sherloc (09022015). Collection method: clinical testing. Allele origin: germline.
Comment: This sequence change replaces proline, which is neutral and non-polar, with serine, which is neutral and polar, at codon 292 of the GHSR protein (p.Pro292Ser). This variant is not present in population databases (gnomAD no frequency). This variant has not been reported in the literature in individuals affected with GHSR-related conditions. Algorithms developed to predict the effect of missense changes on protein structure and function (SIFT, PolyPhen-2, Align-GVGD) all suggest that this variant is likely to be tolerated. In summary, the available evidence is currently insufficient to determine the role of this variant in disease. Therefore, it has been classified as a Variant of Uncertain Significance.

NM_198407.2(GHSR):c.874C>T (p.Pro292Ser)

Gene: GHSR (growth hormone secretagogue receptor; minus strand). Cytogenetic location: 3q26.31.
Variant type: single nucleotide variant.
Coding change: c.874C>T on transcript NM_198407.2 (MANE Select); coding-DNA position 874, C replaced by T.
Protein change: p.Pro292Ser; replaces proline 292 with serine.
Molecular consequence: missense variant.
Genome position (GRCh38, 1-based): chr3:172,445,388, G>A on the plus strand (C>T on the coding strand, the complement: GHSR is on the minus strand). VCF-style: chr3-172445388-G-A. GRCh37 (hg19) VCF-style: chr3-172163178-G-A.
Other names: short protein forms P292S.
Identifiers: ClinVar variation 2023295 (VCV002023295.4), dbSNP rs1219747836, ClinGen allele CA355512496.